The following is an entry in ClinVar:

ClinVar aggregate classification (germline): Conflicting classifications of pathogenicity. Review status: criteria provided, conflicting classifications (1 of 4 stars). 13 submissions from 13 submitters: Uncertain significance (9); Likely benign (3). 1 of the submissions does not count toward it. Last evaluated 2026-01-10.

Conditions:
ATM-related disorder. Also called: ATM-related disorders; ATM-related condition.
Hereditary cancer-predisposing syndrome. Also called: Neoplastic Syndromes, Hereditary; Hereditary Cancer Syndrome; Hereditary neoplastic syndrome; Tumor predisposition. Identifiers: Orphanet 140162, MedGen C0027672, MeSH D009386, MONDO:0015356.
Familial cancer of breast. Also called: Hereditary breast cancer; hereditary breast carcinoma; BREAST CANCER, FAMILIAL. Identifiers: Orphanet 227535, MedGen C0346153, MONDO:0016419, OMIM 114480. Disease mechanism: loss of function.
Ataxia-telangiectasia syndrome (AT). Also called: Cerebello-oculocutaneous telangiectasia; Immunodeficiency with ataxia telangiectasia; Ataxia-telangiectasia, complementation group D; AT, COMPLEMENTATION GROUP C; ATAXIA-TELANGIECTASIA, FRESNO VARIANT; ATAXIA-TELANGIECTASIA, COMPLEMENTATION GROUP A. Identifiers: Orphanet 100, MedGen C0004135, MONDO:0008840, OMIM 208900.

Allele frequency attached by ClinVar (database versions not stated): ExAC 0.00002; gnomAD 0.00002; gnomAD exomes 0.00002 and 0.00004; TOPMed 0.00004; ESP Exome Variant Server 0.00023.
gnomAD v4.1: 65 of 1,613,008 alleles (0.004%); highest among the groups gnomAD compares: Non-Finnish European, 0.0053%; no homozygotes.

Submissions (13):

Labcorp Genetics (formerly Invitae), Labcorp
Classification: Uncertain significance for Ataxia-telangiectasia syndrome. Last evaluated: 2026-01-10. Review status: criteria provided, single submitter. Criteria: Invitae Variant Classification Sherloc (09022015). Collection method: clinical testing. Allele origin: germline.
Comment: This sequence change replaces asparagine, which is neutral and polar, with histidine, which is basic and polar, at codon 619 of the ATM protein (p.Asn619His). This variant is present in population databases (rs140882609, gnomAD 0.004%). This missense change has been observed in individual(s) with breast cancer (PMID: 34326862). ClinVar contains an entry for this variant (Variation ID: 142224). Invitae Evidence Modeling of protein sequence and biophysical properties (such as structural, functional, and spatial information, amino acid conservation, physicochemical variation, residue mobility, and thermodynamic stability) indicates that this missense variant is not expected to disrupt ATM protein function with a negative predictive value of 95%. In summary, the available evidence is currently insufficient to determine the role of this variant in disease. Therefore, it has been classified as a Variant of Uncertain Significance.

Ambry Genetics
Classification: Likely benign for Hereditary cancer-predisposing syndrome. Last evaluated: 2025-03-20. Review status: criteria provided, single submitter. Criteria: Ambry Variant Classification Scheme 2023. Collection method: clinical testing. Allele origin: germline.

Color Diagnostics, LLC DBA Color Health
Classification: Likely benign for Hereditary cancer-predisposing syndrome. Last evaluated: 2024-09-17. Review status: criteria provided, single submitter. Criteria: ACMG Guidelines, 2015. Collection method: clinical testing. Allele origin: germline.

Molecular Pathology, Peter Maccallum Cancer Centre
Classification: Uncertain significance for Ataxia-telangiectasia syndrome. Last evaluated: 2024-06-24. Review status: criteria provided, single submitter. Criteria: ACMG Guidelines, 2015. Collection method: clinical testing. Allele origin: germline. Inheritance: Autosomal recessive inheritance.

Myriad Genetics, Inc.
Classification: Likely benign for Familial cancer of breast. Last evaluated: 2024-05-02. Review status: criteria provided, single submitter. Criteria: Myriad Autosomal Dominant, Autosomal Recessive and X-Linked Classification Criteria (2023). Collection method: clinical testing. Allele origin: unknown.
Comment: This variant is considered likely benign. This variant is strongly associated with less severe personal and family histories of cancer, typical for individuals without pathogenic variants in this gene [PMID: 25085752].

Baylor Genetics
Classification: Uncertain significance for Familial cancer of breast. Last evaluated: 2024-03-29. Review status: criteria provided, single submitter. Criteria: ACMG Guidelines, 2015. Collection method: clinical testing. Allele origin: unknown.

Quest Diagnostics Nichols Institute San Juan Capistrano
Classification: Uncertain significance. Last evaluated: 2023-10-27. Review status: criteria provided, single submitter. Criteria: Quest Diagnostics criteria. Collection method: clinical testing. Allele origin: unknown.

Institute for Biomarker Research, Medical Diagnostic Laboratories, L.L.C.
Classification: Uncertain significance for Hereditary cancer-predisposing syndrome. Last evaluated: 2023-09-05. Review status: criteria provided, single submitter. Criteria: ACMG Guidelines, 2015. Collection method: clinical testing. Allele origin: germline.

GeneDx
Classification: Uncertain significance. Last evaluated: 2023-05-18. Review status: criteria provided, single submitter. Criteria: GeneDx Variant Classification Process June 2021. Collection method: clinical testing. Allele origin: germline. Affected: yes.
Comment: Not observed at significant frequency in large population cohorts (gnomAD); In silico analysis supports that this missense variant does not alter protein structure/function; Has not been previously published as pathogenic or benign to our knowledge; This variant is associated with the following publications: (PMID: 26123645)

Women's Health and Genetics/Laboratory Corporation of America, LabCorp
Classification: Uncertain significance. Last evaluated: 2023-01-23. Review status: criteria provided, single submitter. Criteria: LabCorp Variant Classification Summary - May 2015. Collection method: clinical testing. Allele origin: germline.
Comment: Variant summary: ATM c.1855A>C (p.Asn619His) results in a conservative amino acid change in the encoded protein sequence. Five of five in-silico tools predict a benign effect of the variant on protein function. The variant allele was found at a frequency of 1.6e-05 in 250960 control chromosomes. The available data on variant occurrences in the general population are insufficient to allow any conclusion about variant significance. c.1855A>C has been previously reported in one uterine serous carcinoma sample without confirmation of its origin (germline vs somatic) (Jones_2015) and a Chronic Lymphocytic Leukemia patient (Tiao_2017). In a case-control study focusing on individuals with pancreatic cancer, the variant was identified in one case and one healthy control (Yu_2021). These reports do not provide unequivocal conclusions about association of the variant with disease. To our knowledge, no experimental evidence demonstrating an impact on protein function has been reported. Six ClinVar submitters (evaluation after 2014) have cited the variant, with 5 submitters classifying the variant as uncertain significance and one submitter classifying it as likely benign. Based on the evidence outlined above, the variant was classified as uncertain significance.

PreventionGenetics, part of Exact Sciences
Classification: Uncertain significance for ATM-related condition. Last evaluated: 2022-12-29. Review status: criteria provided, single submitter. Criteria: ACMG Guidelines, 2015. Collection method: clinical testing. Allele origin: germline.
Comment: The ATM c.1855A>C variant is predicted to result in the amino acid substitution p.Asn619His. This variant has been reported as a variant of unknown significance in a uterine serous carcinoma sample (Table S3, Jones et al. 2015. PubMed ID: 26123645). This variant is reported in 0.0035% of alleles in individuals of European (Non-Finnish) descent in gnomAD and has conflicting interpretations regarding its pathogenicity in ClinVar, ranging from likely benign to uncertain. At this time, the clinical significance of this variant is uncertain due to the absence of conclusive functional and genetic evidence.

Sema4
Classification: Uncertain significance for Hereditary cancer-predisposing syndrome. Last evaluated: 2022-03-09. Review status: criteria provided, single submitter. Criteria: Sema4 Curation Guidelines. Collection method: curation. Allele origin: germline.
Comment: The ATM c.1855A>C (p.N619H) variant has been reported in heterozygosity in at least 1 healthy control (PMID: 28652578). It has been reported in a large case-control study of breast cancer in 2/60466 cases and 3/53461 controls (PMID: 33471991). It was observed in 4/113438 chromosomes of the Non-Finnish European (NFE) subpopulation in the large and broad cohorts of the Genome Aggregation Database (PMID: 32461654). This variant has been reported in ClinVar (Variation ID 142224). Functional studies have not been performed, and in silico predictions of the variant's effect on protein function are inconclusive. The evidence is insufficient to meet ACMG/AMP criteria for classifying the variant as benign or pathogenic. Thus, the clinical significance of this variant is currently uncertain.

Natera, Inc.
Classification: Uncertain significance for Ataxia-telangiectasia. Last evaluated: 2020-02-20. Review status: no assertion criteria provided. Collection method: clinical testing. Allele origin: germline. Not counted in ClinVar's aggregate classification.

Literature cited by the submitters: PubMed 34326862 (cited by Labcorp Genetics (formerly Invitae), Labcorp and Quest Diagnostics Nichols Institute San Juan Capistrano); PubMed 28652578 (cited by 4 submitters); PubMed 33471991 (cited by 3 submitters); PubMed 25085752 (cited by Myriad Genetics, Inc.); PubMed 28779002 (cited by Quest Diagnostics Nichols Institute San Juan Capistrano); PubMed 26123645 (cited by Quest Diagnostics Nichols Institute San Juan Capistrano and Women's Health and Genetics/Laboratory Corporation of America, LabCorp); PubMed 35047863 (cited by Quest Diagnostics Nichols Institute San Juan Capistrano and Women's Health and Genetics/Laboratory Corporation of America, LabCorp).

NM_000051.4(ATM):c.1855A>C (p.Asn619His)

Gene: ATM (ATM serine/threonine kinase; plus strand). Cytogenetic location: 11q22.3.
Variant type: single nucleotide variant.
Coding change: c.1855A>C on transcript NM_000051.4 (MANE Select); coding-DNA position 1855, A replaced by C.
Protein change: p.Asn619His; replaces asparagine 619 with histidine.
Molecular consequence: missense variant.
Genome position (GRCh38, 1-based): chr11:108,252,869, A>C. VCF-style: chr11-108252869-A-C. GRCh37 (hg19) VCF-style: chr11-108123596-A-C.
Other names: c.1855A>C, p.Asn619His (NM_001351834.2); short protein forms N619H.
Identifiers: ClinVar variation 142224 (VCV000142224.40), dbSNP rs140882609, ClinGen allele CA167802.
Genomic context (GRCh38, chr11:108,252,869, plus strand): 5'-CTTTGTAGTAATTTTCCTCATCTTGTACTGGAGAAAATTCTTGTGAGTCTCACTATGAAA[A>C]ACTGTAAAGCTGCAATGAATTTTTTCCAAAGCGTGCCAGAATGGTATGTTATCTAATAAT-3'
Protein context (NP_000042.3, residues 609-629): EKILVSLTMK[Asn619His]CKAAMNFFQS